The following is an entry in ClinVar:

NM_000059.4(BRCA2):c.7503A>G (p.Gln2501=)

Gene: BRCA2 (BRCA2 DNA repair associated; plus strand). Cytogenetic location: 13q13.1.
Variant type: single nucleotide variant.
Coding change: c.7503A>G on transcript NM_000059.4 (MANE Select); coding-DNA position 7503, A replaced by G.
Protein change: p.Gln2501=; no amino-acid change (glutamine 2501 retained).
Molecular consequence: synonymous variant.
Genome position (GRCh38, 1-based): chr13:32,356,495, A>G. VCF-style: chr13-32356495-A-G. GRCh37 (hg19) VCF-style: chr13-32930632-A-G.
Identifiers: ClinVar variation 387681 (VCV000387681.15), dbSNP rs1057522866, ClinGen allele CA16606811.
Genomic context (GRCh38, chr13:32,356,495, plus strand): 5'-TACAAGTCTTCAGAATGCCAGAGATATACAGGATATGCGAATTAAGAAGAAACAAAGGCA[A>G]CGCGTCTTTCCACAGCCAGGCAGTCTGTATCTTGCAAAAACATCCACTCTGCCTCGAATC-3'
Protein context (NP_000050.3, residues 2491-2511): QDMRIKKKQR[Gln2501=]RVFPQPGSLY

ClinVar aggregate classification (germline): Likely benign. Review status: criteria provided, multiple submitters, no conflicts (2 of 4 stars). 5 submissions from 5 submitters: Likely benign (5). Last evaluated 2023-08-25.

Conditions:
Hereditary cancer-predisposing syndrome. Also called: Neoplastic Syndromes, Hereditary; Hereditary neoplastic syndrome; Tumor predisposition; Hereditary Cancer Syndrome. Identifiers: Orphanet 140162, MedGen C0027672, MeSH D009386, MONDO:0015356.
Breast-ovarian cancer, familial, susceptibility to, 2 (BROVCA2). Also called: BRCA2 Hereditary Breast and Ovarian Cancer. Identifiers: Orphanet 145, MedGen C2675520, MONDO:0012933, OMIM 612555. Disease mechanism: loss of function.
Hereditary breast ovarian cancer syndrome. Also called: Hereditary breast and ovarian cancer; Breast and ovarian cancer; BRCA1- and BRCA2-Associated Hereditary Breast and Ovarian Cancer; Hereditary breast and ovarian cancer syndrome (HBOC); Hereditary breast and/or ovarian cancer syndrome; Hereditary breast and ovarian cancer syndrome. Identifiers: Orphanet 145, MedGen C0677776, MeSH D061325, MONDO:0003582. Disease mechanism: loss of function.

gnomAD v4.1: 1 of 1,614,228 alleles (0.000062%); highest among the groups gnomAD compares: Non-Finnish European, 0.000085%; no homozygotes.

Submissions (5):

All of Us Research Program, National Institutes of Health
Classification: Likely benign for Breast-ovarian cancer, familial, susceptibility to, 2. Last evaluated: 2023-08-25. Review status: criteria provided, single submitter. Criteria: ACMG Guidelines, 2015. Collection method: clinical testing. Allele origin: germline. Inheritance: Autosomal dominant inheritance. Observed: 1 variant allele, 1 heterozygote.
Comment: This study involves interpretation of variants in research participants for the purpose of population health screening. Participant phenotype was not available at the time of variant classification. Additional details can be found in publication PMID: 35346344, PMCID: PMC8962531

Labcorp Genetics (formerly Invitae), Labcorp
Classification: Likely benign for Hereditary breast ovarian cancer syndrome. Last evaluated: 2023-08-14. Review status: criteria provided, single submitter. Criteria: Invitae Variant Classification Sherloc (09022015). Collection method: clinical testing. Allele origin: germline.

Ambry Genetics
Classification: Likely benign for Hereditary cancer-predisposing syndrome. Last evaluated: 2022-07-27. Review status: criteria provided, single submitter. Criteria: Ambry Variant Classification Scheme 2023. Collection method: clinical testing. Allele origin: germline.

GeneDx
Classification: Likely benign. Last evaluated: 2016-07-06. Review status: criteria provided, single submitter. Criteria: GeneDx Variant Classification (06012015). Collection method: clinical testing. Allele origin: germline. Affected: yes.
Comment: This variant is considered likely benign or benign based on one or more of the following criteria: it is a conservative change, it occurs at a poorly conserved position in the protein, it is predicted to be benign by multiple in silico algorithms, and/or has population frequency not consistent with disease.

Color Diagnostics, LLC DBA Color Health
Classification: Likely benign for Hereditary cancer-predisposing syndrome. Last evaluated: 2015-07-21. Review status: criteria provided, single submitter. Criteria: ACMG Guidelines, 2015. Collection method: clinical testing. Allele origin: germline.